The following is an entry in ClinVar:

ClinVar aggregate classification (germline): Pathogenic (1 of 4 stars; one submission).

Submission:

Labcorp Genetics (formerly Invitae), Labcorp
Classification: Pathogenic. Last evaluated: 2024-12-07. Review status: criteria provided, single submitter. Criteria: Invitae Variant Classification Sherloc (09022015). Collection method: clinical testing. Allele origin: germline.
Comment: This sequence change creates a premature translational stop signal (p.Lys209Serfs*134) in the SETBP1 gene. It is expected to result in an absent or disrupted protein product. Loss-of-function variants in SETBP1 are known to be pathogenic (PMID: 21037274, 25217958). This variant is not present in population databases (gnomAD no frequency). This variant has not been reported in the literature in individuals affected with SETBP1-related conditions. For these reasons, this variant has been classified as Pathogenic.

Literature cited by the submitters: PubMed 21037274; PubMed 25217958.

NM_015559.3(SETBP1):c.626del (p.Lys209fs)

Gene: SETBP1 (SET binding protein 1; plus strand). Cytogenetic location: 18q12.3.
Variant type: Deletion.
Coding change: c.626del on transcript NM_015559.3 (MANE Select); coding-DNA position 626, one base deleted (A; older notation c.626delA).
Protein change: p.Lys209fs; shifts the reading frame from lysine 209.
Molecular consequence: frameshift variant.
Genome position (GRCh38, 1-based): chr18:44,949,966, A deleted; the last of 3 consecutive A bases (chr18:44,949,964-44,949,966); deleting any one gives the same sequence. VCF-style (leftmost placement, unchanged base first): chr18-44949963-CA-C. GRCh37 (hg19) VCF-style: chr18-42529928-CA-C.
Other names: c.626del, p.Lys209fs (NM_001379141.1, NM_001379142.1, NM_001410862.1); short protein forms K209fs.
Identifiers: ClinVar variation 3726787 (VCV003726787.2).
Genomic context (GRCh38, chr18:44,949,963, plus strand): 5'-ATTCAACTCTCCATTATGACACGGGCCTCCCACAGGACTTCACCGGTGACACCTTAAAAC[CA>C]AAGCACCAGCAAAAAAGCAGCAGCCAGAACCACATGGACTGGTCCACCAACTCTGACAGC-3'